The following is an entry in ClinVar:

NM_000383.4(AIRE):c.1638A>T (p.Ter546Cys)

Gene: AIRE (autoimmune regulator; plus strand). Cytogenetic location: 21q22.3.
Variant type: single nucleotide variant.
Coding change: c.1638A>T on transcript NM_000383.4 (MANE Select); coding-DNA position 1638, A replaced by T.
Protein change: p.Ter546Cys.
Molecular consequence: stop lost.
Genome position (GRCh38, 1-based): chr21:44,297,727, A>T. VCF-style: chr21-44297727-A-T. GRCh37 (hg19) VCF-style: chr21-45717610-A-T.
Other names: *546C; c.1638A>T (LRG_18t1).
Identifiers: ClinVar variation 56222 (VCV000056222.8), dbSNP rs386833673, ClinGen allele CA144206.
Genomic context (GRCh38, chr21:44,297,727, plus strand): 5'-TGGCATCCTGCAGTGGGCCATCCAGAGCATGGCCCGTCCGGCGGCCCCCTTCCCCTCCTG[A>T]CCCCAGATGGCCGGGACATGCAGCTCTGATGAGAGAGTGCTGAGAAGGACACCTCCTTCC-3'

ClinVar aggregate classification (germline): Pathogenic/Likely pathogenic. Review status: criteria provided, multiple submitters, no conflicts (2 of 4 stars). 4 submissions from 4 submitters: Pathogenic (1); Likely pathogenic (1). 2 of the submissions do not count toward it. Last evaluated 2026-01-16.

Conditions:
Polyglandular autoimmune syndrome, type 1 (APS1). Also called: Autoimmune polyendocrine syndrome type 1; Whitaker syndrome; Autoimmune polyendocrinopathy syndrome , type I, with or without reversible metaphyseal dysplasia; AUTOIMMUNE POLYENDOCRINE SYNDROME, TYPE I, WITH OR WITHOUT REVERSIBLE METAPHYSEAL DYSPLASIA; APS I; HYPOADRENOCORTICISM WITH HYPOPARATHYROIDISM AND SUPERFICIAL MONILIASIS. Identifiers: Orphanet 3453, MedGen C0085859, MONDO:0009411, OMIM 240300.

Allele frequency attached by ClinVar (database versions not stated): gnomAD exomes below 0.00001 and 0.00001; gnomAD 0.00001.
gnomAD v4.1: 5 of 1,609,712 alleles (0.00031%); no homozygotes.

Submissions (4):

Myriad Genetics, Inc.
Classification: Pathogenic for Polyglandular autoimmune syndrome, type 1. Last evaluated: 2026-01-16. Review status: criteria provided, single submitter. Criteria: Myriad Autosomal Dominant, Autosomal Recessive and X-Linked Classification Criteria (2023). Collection method: clinical testing. Allele origin: unknown.
Comment: NM_000383.3(AIRE):c.1638A>T(*546Cext*60) is a stop-loss variant classified as pathogenic in the context of autoimmune polyglandular syndrome type 1. *546Cext*60 has been observed in cases with relevant disease (PMID: 16684821, 9717837, Bazzara_2015_(Thesis)). Relevant functional assessments of this variant are not available in the literature. *546Cext*60 has been observed in referenced population frequency databases. In summary, NM_000383.3(AIRE):c.1638A>T(*546Cext*60) is a stop-loss variant that has been observed more frequently in cases with the relevant disease than in healthy populations. Please note: this variant was assessed in the context of healthy population screening.

Labcorp Genetics (formerly Invitae), Labcorp
Classification: Likely pathogenic for Polyglandular autoimmune syndrome, type 1. Last evaluated: 2023-09-04. Review status: criteria provided, single submitter. Criteria: Invitae Variant Classification Sherloc (09022015). Collection method: clinical testing. Allele origin: germline.
Comment: This variant is also known as X546C. This sequence change disrupts the translational stop signal of the AIRE mRNA. It is expected to extend the length of the AIRE protein by 60 additional amino acid residues. This variant is present in population databases (rs386833673, gnomAD 0.009%). This protein extension has been observed in individuals with APECED (PMID: 9717837, 18728167). In summary, the currently available evidence indicates that the variant is pathogenic, but additional data are needed to prove that conclusively. Therefore, this variant has been classified as Likely Pathogenic. This variant results in an extension of the AIRE protein. Other variant(s) that result in a similarly extended protein product (p.*546Leuext*60) have been observed in individuals with AIRE-related disease (PMID: 28446514). This suggests that these extensions may be clinically significant. ClinVar contains an entry for this variant (Variation ID: 56222).

Counsyl
Classification: Likely pathogenic for Polyglandular autoimmune syndrome, type 1. Last evaluated: 2014-10-28. Review status: no assertion criteria provided. Collection method: literature only. Allele origin: unknown. Inheritance: Autosomal recessive inheritance. Not counted in ClinVar's aggregate classification.

Juha Muilu Group; Institute for Molecular Medicine Finland (FIMM)
Classification: Likely pathogenic for Polyglandular autoimmune syndrome, type 1. Review status: no assertion criteria provided. Collection method: not provided. Allele origin: unknown. Not counted in ClinVar's aggregate classification.
Comment: FinDis database variant: This variant was not found or characterized by our laboratory, data were collected from public sources: see reference
ClinVar note: Converted during submission from probable-pathogenic to Likely pathogenic.

Literature cited by the submitters: PubMed 9717837 (cited by Labcorp Genetics (formerly Invitae), Labcorp and Counsyl); PubMed 18728167 (cited by Labcorp Genetics (formerly Invitae), Labcorp and Counsyl); PubMed 28446514 (cited by Labcorp Genetics (formerly Invitae), Labcorp); PubMed 12050215 (cited by Counsyl); PubMed 10677297 (cited by Counsyl).